The following is an entry in ClinVar:

ClinVar aggregate classification (germline): Likely pathogenic (1 of 4 stars; one submission).

Submission:

GeneDx
Classification: Likely pathogenic. Last evaluated: 2023-08-30. Review status: criteria provided, single submitter. Criteria: GeneDx Variant Classification Process June 2021. Collection method: clinical testing. Allele origin: germline. Affected: yes.
Comment: Not observed in large population cohorts (gnomAD); In silico analysis supports that this missense variant has a deleterious effect on protein structure/function; Has not been previously published as pathogenic or benign to our knowledge

NM_052867.4(NALCN):c.3943T>G (p.Cys1315Gly)

Gene: NALCN (sodium leak channel, non-selective; minus strand). Cytogenetic location: 13q32.3.
Variant type: single nucleotide variant.
Coding change: c.3943T>G on transcript NM_052867.4 (MANE Select); coding-DNA position 3943, T replaced by G.
Protein change: p.Cys1315Gly; replaces cysteine 1315 with glycine.
Molecular consequence: missense variant.
Genome position (GRCh38, 1-based): chr13:101,075,884, A>C on the plus strand (T>G on the coding strand, the complement: NALCN is on the minus strand). VCF-style: chr13-101075884-A-C. GRCh37 (hg19) VCF-style: chr13-101728235-A-C.
Other names: c.4030T>G, p.Cys1344Gly (NM_001350748.2); c.3943T>G, p.Cys1315Gly (NM_001350749.2); c.3856T>G, p.Cys1286Gly (NM_001350750.2, NM_001350751.2); short protein forms C1286G, C1315G, C1344G.
Identifiers: ClinVar variation 1313285 (VCV001313285.4), dbSNP rs2139478436, ClinGen allele CA388649672.